The following is an entry in ClinVar:

NM_001376.5(DYNC1H1):c.10939C>T (p.Pro3647Ser)

Gene: DYNC1H1 (dynein cytoplasmic 1 heavy chain 1; plus strand). Cytogenetic location: 14q32.31.
Variant type: single nucleotide variant.
Coding change: c.10939C>T on transcript NM_001376.5 (MANE Select); coding-DNA position 10939, C replaced by T.
Protein change: p.Pro3647Ser; replaces proline 3647 with serine.
Molecular consequence: missense variant.
Genome position (GRCh38, 1-based): chr14:102,038,490, C>T. VCF-style: chr14-102038490-C-T. GRCh37 (hg19) VCF-style: chr14-102504827-C-T.
Other names: short protein forms P3647S.
Identifiers: ClinVar variation 2574196 (VCV002574196.1), dbSNP rs2152594696, ClinGen allele CA391031368.
Genomic context (GRCh38, chr14:102,038,490, plus strand): 5'-ACCATCAAGTTCCACCCGTGTGGAATGCAGGATGTGGAAAGCTACGATCCAGTTTTGAAC[C>T]CGGTGCTGAACCGTGAAGTGCGGCGAACAGGGGGGAGAGTGCTGATCACTCTCGGGGACC-3'
Protein context (NP_001367.2, residues 3637-3657): DVESYDPVLN[Pro3647Ser]VLNREVRRTG

ClinVar aggregate classification (germline): Uncertain significance (1 of 4 stars; one submission).

Submission:

GeneDx
Classification: Uncertain significance. Last evaluated: 2023-01-31. Review status: criteria provided, single submitter. Criteria: GeneDx Variant Classification Process June 2021. Collection method: clinical testing. Allele origin: germline. Affected: yes.
Comment: Not observed at significant frequency in large population cohorts (gnomAD); In silico analysis supports that this missense variant has a deleterious effect on protein structure/function; Has not been previously published as pathogenic or benign to our knowledge